The following is an entry in ClinVar:

ClinVar aggregate classification (germline): Uncertain significance. Review status: criteria provided, multiple submitters, no conflicts (2 of 4 stars). 2 submissions from 2 submitters: Uncertain significance (2). Last evaluated 2025-08-29.

Conditions:
Dilated cardiomyopathy 1G (CMD1G). Identifiers: Orphanet 154, MedGen C1858763, MONDO:0011400, OMIM 604145.
Autosomal recessive limb-girdle muscular dystrophy type 2J (LGMDR10). Also called: MUSCULAR DYSTROPHY, LIMB-GIRDLE, AUTOSOMAL RECESSIVE 10; Limb-girdle muscular dystrophy, type 2J. Identifiers: Orphanet 140922, MedGen C1837342, MONDO:0012127, OMIM 608807.

Submissions (2):

Labcorp Genetics (formerly Invitae), Labcorp
Classification: Uncertain significance for Dilated cardiomyopathy 1G; Autosomal recessive limb-girdle muscular dystrophy type 2J. Last evaluated: 2025-08-29. Review status: criteria provided, single submitter. Criteria: Invitae Variant Classification Sherloc (09022015). Collection method: clinical testing. Allele origin: germline.
Comment: This sequence change replaces threonine, which is neutral and polar, with proline, which is neutral and non-polar, at codon 35921 of the TTN protein (p.Thr35921Pro). This variant is not present in population databases (gnomAD no frequency). This variant has not been reported in the literature in individuals affected with TTN-related conditions. ClinVar contains an entry for this variant (Variation ID: 594863). Experimental studies and prediction algorithms are not available or were not evaluated, and the functional significance of this variant is currently unknown. This variant is located in the M band of TTN (PMID: 25589632). Non-truncating variants in this region may be relevant for neuromuscular disorders, but have not been definitively shown to cause cardiomyopathy (PMID: 23975875). In summary, the available evidence is currently insufficient to determine the role of this variant in disease. Therefore, it has been classified as a Variant of Uncertain Significance.

Eurofins Ntd Llc (ga)
Classification: Uncertain significance. Last evaluated: 2017-11-10. Review status: criteria provided, single submitter. Criteria: EGL Classification Definitions 2015. Collection method: clinical testing. Allele origin: germline. Observed: 1 variant allele, 1 homozygote.

Literature cited by the submitters: PubMed 25589632 (cited by Labcorp Genetics (formerly Invitae), Labcorp); PubMed 23975875 (cited by Labcorp Genetics (formerly Invitae), Labcorp).

NM_001267550.2(TTN):c.107761A>C (p.Thr35921Pro)

Genes: TTN (titin; minus strand), TTN-AS1 (TTN antisense RNA 1; plus strand). Cytogenetic location: 2q31.2.
Variant type: single nucleotide variant.
Coding change: c.107761A>C on transcript NM_001267550.2 (MANE Select); coding-DNA position 107761, A replaced by C.
Protein change: p.Thr35921Pro; replaces threonine 35921 with proline.
Molecular consequence: missense variant.
Genome position (GRCh38, 1-based): chr2:178,527,227, T>G on the plus strand (A>C on the coding strand, the complement: TTN is on the minus strand). VCF-style: chr2-178527227-T-G. GRCh37 (hg19) VCF-style: chr2-179391954-T-G.
Other names: c.102838A>C, p.Thr34280Pro (NM_001256850.1); c.80566A>C, p.Thr26856Pro (NM_003319.4); c.100057A>C, p.Thr33353Pro (NM_133378.4); c.80941A>C, p.Thr26981Pro (NM_133432.3); c.81142A>C, p.Thr27048Pro (NM_133437.4); short protein forms T33353P, T35921P, T26981P, T26856P, T27048P, T34280P.
Identifiers: ClinVar variation 594863 (VCV000594863.6), dbSNP rs1558955174, ClinGen allele CA349399290.